The following is an entry in ClinVar:

NM_001035.3(RYR2):c.5091G>C (p.Leu1697Phe)

Gene: RYR2 (ryanodine receptor 2; plus strand). Cytogenetic location: 1q43.
Variant type: single nucleotide variant.
Coding change: c.5091G>C on transcript NM_001035.3 (MANE Select); coding-DNA position 5091, G replaced by C.
Protein change: p.Leu1697Phe; replaces leucine 1697 with phenylalanine.
Molecular consequence: missense variant.
Genome position (GRCh38, 1-based): chr1:237,614,219, G>C. VCF-style: chr1-237614219-G-C. GRCh37 (hg19) VCF-style: chr1-237777519-G-C.
Other names: short protein forms L1697F.
Identifiers: ClinVar variation 2743279 (VCV002743279.3), dbSNP rs2546791458, ClinGen allele CA345404000.

ClinVar aggregate classification (germline): Uncertain significance (1 of 4 stars; one submission).

Conditions:
Catecholaminergic polymorphic ventricular tachycardia 1. Also called: VENTRICULAR TACHYCARDIA, STRESS-INDUCED POLYMORPHIC 1; VENTRICULAR TACHYCARDIA, CATECHOLAMINERGIC POLYMORPHIC, 1, WITH OR WITHOUT ATRIAL DYSFUNCTION AND/OR DILATED CARDIOMYOPATHY; RYR2-Related Catecholaminergic Polymorphic Ventricular Tachycardia. Identifiers: Orphanet 3286, MedGen C1631597, MONDO:0011484, OMIM 604772.

Submission:

Labcorp Genetics (formerly Invitae), Labcorp
Classification: Uncertain significance for Catecholaminergic polymorphic ventricular tachycardia 1. Last evaluated: 2023-07-14. Review status: criteria provided, single submitter. Criteria: Invitae Variant Classification Sherloc (09022015). Collection method: clinical testing. Allele origin: germline.
Comment: In summary, the available evidence is currently insufficient to determine the role of this variant in disease. Therefore, it has been classified as a Variant of Uncertain Significance. This sequence change replaces leucine, which is neutral and non-polar, with phenylalanine, which is neutral and non-polar, at codon 1697 of the RYR2 protein (p.Leu1697Phe). This variant is not present in population databases (gnomAD no frequency). This variant has not been reported in the literature in individuals affected with RYR2-related conditions. Advanced modeling of protein sequence and biophysical properties (such as structural, functional, and spatial information, amino acid conservation, physicochemical variation, residue mobility, and thermodynamic stability) performed at Invitae indicates that this missense variant is not expected to disrupt RYR2 protein function.